The following is an entry in ClinVar:

ClinVar aggregate classification (germline): Uncertain significance (1 of 4 stars; one submission).

gnomAD v4.1: 1 of 1,613,760 alleles (0.000062%); no homozygotes.

Submission:

Labcorp Genetics (formerly Invitae), Labcorp
Classification: Uncertain significance. Last evaluated: 2024-09-10. Review status: criteria provided, single submitter. Criteria: Invitae Variant Classification Sherloc (09022015). Collection method: clinical testing. Allele origin: germline.
Comment: This sequence change replaces serine, which is neutral and polar, with phenylalanine, which is neutral and non-polar, at codon 1070 of the BRD4 protein (p.Ser1070Phe). This variant is not present in population databases (gnomAD no frequency). This variant has not been reported in the literature in individuals affected with BRD4-related conditions. Invitae Evidence Modeling of protein sequence and biophysical properties (such as structural, functional, and spatial information, amino acid conservation, physicochemical variation, residue mobility, and thermodynamic stability) has been performed for this missense variant. However, the output from this modeling did not meet the statistical confidence thresholds required to predict the impact of this variant on BRD4 protein function. In summary, the available evidence is currently insufficient to determine the role of this variant in disease. Therefore, it has been classified as a Variant of Uncertain Significance.

NM_001379291.1(BRD4):c.3209C>T (p.Ser1070Phe)

Gene: BRD4 (bromodomain containing 4; minus strand). Cytogenetic location: 19p13.12.
Variant type: single nucleotide variant.
Coding change: c.3209C>T on transcript NM_001379291.1 (MANE Select); coding-DNA position 3209, C replaced by T.
Protein change: p.Ser1070Phe; replaces serine 1070 with phenylalanine.
Molecular consequence: missense variant.
Genome position (GRCh38, 1-based): chr19:15,239,983, G>A on the plus strand (C>T on the coding strand, the complement: BRD4 is on the minus strand). VCF-style: chr19-15239983-G-A. GRCh37 (hg19) VCF-style: chr19-15350794-G-A.
Other names: c.3209C>T, p.Ser1070Phe (NM_058243.3); short protein forms S1070F.
Identifiers: ClinVar variation 3662230 (VCV003662230.2).